The following is an entry in ClinVar:

NM_000018.4(ACADVL):c.1533G>A (p.Arg511=)

Gene: ACADVL (acyl-CoA dehydrogenase very long chain; plus strand). Cytogenetic location: 17p13.1.
Variant type: single nucleotide variant.
Coding change: c.1533G>A on transcript NM_000018.4 (MANE Select); coding-DNA position 1533, G replaced by A.
Protein change: p.Arg511=; no amino-acid change (arginine 511 retained).
Molecular consequence: synonymous variant.
Genome position (GRCh38, 1-based): chr17:7,224,321, G>A. VCF-style: chr17-7224321-G-A. GRCh37 (hg19) VCF-style: chr17-7127640-G-A.
Other names: NM_000018.4(ACADVL):c.1533G>A; p.Arg511=; c.1467G>A, p.Arg489= (NM_001033859.3); c.1602G>A, p.Arg534= (NM_001270447.2); c.1305G>A, p.Arg435= (NM_001270448.2).
Identifiers: ClinVar variation 254695 (VCV000254695.11), dbSNP rs886038214, ClinGen allele CA10587278.
Genomic context (GRCh38, chr17:7,224,321, plus strand): 5'-GCCAGGGGAGGGCAGGGTGGTGTATGGCAACTAACCAGTCATTCTCCCTCTTCCTCTCAG[G>A]CGGGCAGGGCTGGGCAGCGGCCTGAGTCTCAGCGGACTTGTCCACCCGGAGTTGAGTCGG-3'
Protein context (NP_000009.1, residues 501-521): LLGEAGKQLR[Arg511=]RAGLGSGLSL

ClinVar aggregate classification (germline): Likely benign. Review status: reviewed by expert panel (3 of 4 stars). 3 submissions from 3 submitters: Likely benign (1). 2 of the submissions do not count toward it. Last evaluated 2022-12-14.

Conditions:
Very long chain acyl-CoA dehydrogenase deficiency (ACADVLD). Also called: Very Long-Chain Acyl-Coenzyme A Dehydrogenase Deficiency; VLCAD Deficiency. Identifiers: Orphanet 26793, MedGen C3887523, MONDO:0008723, OMIM 201475.

Submissions (3):

ClinGen ACADVL Variant Curation Expert Panel, ClinGen
Classification: Likely benign for Very long chain acyl-CoA dehydrogenase deficiency. Last evaluated: 2022-12-14. Review status: reviewed by expert panel. Criteria: clingen acadvl acmg specifications v1. Collection method: curation. Allele origin: germline. Inheritance: Autosomal recessive inheritance.
Comment: The c.1533G>A (p.Arg511=) variant is a synonymous (silent) variant that is not predicted by (SpliceAI, MaxEntScn, NNSplice) to impact splicing. In addition, it occurs at a nucleotide that is not conserved as shown by the 100 vertebrate Basewise Conservation by PhyloP track in the UCSC genome browser (BP4, BP7). This variant is absent from gnomAD v2.1.1; however, this is not considered conflicting evidence with BP4 and BP7. In summary, this variant meets the criteria to be classified as likely benign for autosomal recessive very long chain acyl-CoA dehydrogenase (VLCAD) deficiency based on the ACMG/AMP criteria applied, as specified by the ClinGen ACADVL Variant Curation Expert Panel: BP4, BP7 (ACADVL VCEP specifications version 1; approved November 8, 2021)

Labcorp Genetics (formerly Invitae), Labcorp
Classification: Uncertain significance for Very long chain acyl-CoA dehydrogenase deficiency. Last evaluated: 2025-01-12. Review status: criteria provided, single submitter. Criteria: Invitae Variant Classification Sherloc (09022015). Collection method: clinical testing. Allele origin: germline. Not counted in ClinVar's aggregate classification.
Comment: This sequence change affects codon 511 of the ACADVL mRNA. It is a 'silent' change, meaning that it does not change the encoded amino acid sequence of the ACADVL protein. It affects a nucleotide within the consensus splice site. This variant is not present in population databases (gnomAD no frequency). This variant has not been reported in the literature in individuals affected with ACADVL-related conditions. ClinVar contains an entry for this variant (Variation ID: 254695). Algorithms developed to predict the effect of sequence changes on RNA splicing suggest that this variant is not likely to affect RNA splicing. In summary, the available evidence is currently insufficient to determine the role of this variant in disease. Therefore, it has been classified as a Variant of Uncertain Significance.

PreventionGenetics, part of Exact Sciences
Classification: Benign. Review status: criteria provided, single submitter. Criteria: ACMG Guidelines, 2015. Collection method: clinical testing. Allele origin: germline. Not counted in ClinVar's aggregate classification.